The following is an entry in ClinVar:

ClinVar aggregate classification (germline): Uncertain significance. Review status: criteria provided, multiple submitters, no conflicts (2 of 4 stars). 3 submissions from 3 submitters: Uncertain significance (2). 1 of the submissions does not count toward it. Last evaluated 2024-10-08.

Conditions:
Aicardi Goutieres syndrome (AGS). Also called: Encephalopathy, familial infantile, with calcification of basal ganglia and chronic cerebrospinal fluid lymphocytosis. Identifiers: Orphanet 51, MedGen C0393591, MONDO:0018866.
Aicardi-Goutieres syndrome 5. Identifiers: Orphanet 51, MedGen C2749659, MONDO:0013059, OMIM 612952.

Allele frequency attached by ClinVar (database versions not stated): gnomAD 0.00001; gnomAD exomes 0.00001.
gnomAD v4.1: 20 of 1,613,888 alleles (0.0012%); highest among the groups gnomAD compares: Non-Finnish European, 0.0017%; no homozygotes.

Submissions (3):

Women's Health and Genetics/Laboratory Corporation of America, LabCorp
Classification: Uncertain significance. Last evaluated: 2024-10-08. Review status: criteria provided, single submitter. Criteria: LabCorp Variant Classification Summary - May 2015. Collection method: clinical testing. Allele origin: germline.
Comment: Variant summary: SAMHD1 c.901G>C (p.Val301Leu) results in a conservative amino acid change located in the HD/PDEase domain (IPR003607) of the encoded protein sequence. Four of five in-silico tools predict a damaging effect of the variant on protein function. The variant allele was found at a frequency of 8e-06 in 251338 control chromosomes (gnomAD). The available data on variant occurrences in the general population are insufficient to allow any conclusion about variant significance. c.901G>C has been reported in the literature in individuals affected with SAMHD1-related conditions (Schuermans_2023). This report does not provide unequivocal conclusions about association of the variant with Aicardi Goutieres Syndrome. To our knowledge, no experimental evidence demonstrating an impact on protein function has been reported. The following publication has been ascertained in the context of this evaluation (PMID: 37152446). ClinVar contains an entry for this variant (Variation ID: 853447). Based on the evidence outlined above, the variant was classified as uncertain significance.

Labcorp Genetics (formerly Invitae), Labcorp
Classification: Uncertain significance for Aicardi-Goutieres syndrome 5. Last evaluated: 2022-06-25. Review status: criteria provided, single submitter. Criteria: Invitae Variant Classification Sherloc (09022015). Collection method: clinical testing. Allele origin: germline.
Comment: This sequence change replaces valine, which is neutral and non-polar, with leucine, which is neutral and non-polar, at codon 301 of the SAMHD1 protein (p.Val301Leu). This variant is present in population databases (no rsID available, gnomAD 0.0009%). This variant has not been reported in the literature in individuals affected with SAMHD1-related conditions. ClinVar contains an entry for this variant (Variation ID: 853447). Algorithms developed to predict the effect of missense changes on protein structure and function (SIFT, PolyPhen-2, Align-GVGD) all suggest that this variant is likely to be disruptive. In summary, the available evidence is currently insufficient to determine the role of this variant in disease. Therefore, it has been classified as a Variant of Uncertain Significance.

Natera, Inc.
Classification: Uncertain significance for Aicardi-Goutieres syndrome. Last evaluated: 2020-11-07. Review status: no assertion criteria provided. Collection method: clinical testing. Allele origin: germline. Not counted in ClinVar's aggregate classification.

Literature cited by the submitters: PubMed 37152446 (cited by Women's Health and Genetics/Laboratory Corporation of America, LabCorp).

NM_015474.4(SAMHD1):c.901G>C (p.Val301Leu)

Gene: SAMHD1 (SAM and HD domain containing deoxynucleoside triphosphate triphosphohydrolase 1; minus strand). Cytogenetic location: 20q11.23.
Variant type: single nucleotide variant.
Coding change: c.901G>C on transcript NM_015474.4 (MANE Select); coding-DNA position 901, G replaced by C.
Protein change: p.Val301Leu; replaces valine 301 with leucine.
Molecular consequence: missense variant.
Genome position (GRCh38, 1-based): chr20:36,917,001, C>G on the plus strand (G>C on the coding strand, the complement: SAMHD1 is on the minus strand). VCF-style: chr20-36917001-C-G. GRCh37 (hg19) VCF-style: chr20-35545404-C-G.
Other names: c.901G>C, p.Val301Leu (NM_001363729.2, NM_001363733.2); short protein forms V301L.
Identifiers: ClinVar variation 853447 (VCV000853447.8), dbSNP rs1300702859, ClinGen allele CA408845599.